The following is an entry in ClinVar:

ClinVar aggregate classification (germline): Likely benign (1 of 4 stars; one submission).

gnomAD v4.1: 1 of 1,611,318 alleles (0.000062%); highest among the groups gnomAD compares: Admixed American, 0.0017%; no homozygotes.

Submission:

GeneDx
Classification: Likely benign. Last evaluated: 2017-11-28. Review status: criteria provided, single submitter. Criteria: GeneDx Variant Classification (06012015). Collection method: clinical testing. Allele origin: germline. Affected: yes.
Comment: This variant is considered likely benign or benign based on one or more of the following criteria: it is a conservative change, it occurs at a poorly conserved position in the protein, it is predicted to be benign by multiple in silico algorithms, and/or has population frequency not consistent with disease.

NM_182943.3(PLOD2):c.2022A>T (p.Val674=)

Gene: PLOD2 (procollagen-lysine,2-oxoglutarate 5-dioxygenase 2; minus strand). Cytogenetic location: 3q24.
Variant type: single nucleotide variant.
Coding change: c.2022A>T on transcript NM_182943.3 (MANE Select); coding-DNA position 2022, A replaced by T.
Protein change: p.Val674=; no amino-acid change (valine 674 retained).
Molecular consequence: synonymous variant.
Genome position (GRCh38, 1-based): chr3:146,071,141, T>A on the plus strand (A>T on the coding strand, the complement: PLOD2 is on the minus strand). VCF-style: chr3-146071141-T-A. GRCh37 (hg19) VCF-style: chr3-145788928-T-A.
Other names: c.1959A>T, p.Val653= (NM_000935.3).
Identifiers: ClinVar variation 513842 (VCV000513842.1), dbSNP rs763894955, ClinGen allele CA436387840.